The following is an entry in ClinVar:

NM_001939.3(DRP2):c.1490A>G (p.Lys497Arg)

Gene: DRP2 (dystrophin related protein 2; plus strand). Cytogenetic location: Xq22.1.
Variant type: single nucleotide variant.
Coding change: c.1490A>G on transcript NM_001939.3 (MANE Select); coding-DNA position 1490, A replaced by G.
Protein change: p.Lys497Arg; replaces lysine 497 with arginine.
Molecular consequence: missense variant.
Genome position (GRCh38, 1-based): chrX:101,248,549, A>G. VCF-style: chrX-101248549-A-G. GRCh37 (hg19) VCF-style: chrX-100503538-A-G.
Other names: c.1256A>G, p.Lys419Arg (NM_001171184.2); short protein forms K419R, K497R.
Identifiers: ClinVar variation 1720092 (VCV001720092.5), dbSNP rs2520278679, ClinGen allele CA413927208.

ClinVar aggregate classification (germline): Uncertain significance (1 of 4 stars; one submission).

Submission:

Labcorp Genetics (formerly Invitae), Labcorp
Classification: Uncertain significance. Last evaluated: 2022-09-22. Review status: criteria provided, single submitter. Criteria: Invitae Variant Classification Sherloc (09022015). Collection method: clinical testing. Allele origin: germline.
Comment: In summary, the available evidence is currently insufficient to determine the role of this variant in disease. Therefore, it has been classified as a Variant of Uncertain Significance. This sequence change replaces lysine, which is basic and polar, with arginine, which is basic and polar, at codon 497 of the DRP2 protein (p.Lys497Arg). This variant is not present in population databases (gnomAD no frequency). This variant has not been reported in the literature in individuals affected with DRP2-related conditions. Advanced modeling of protein sequence and biophysical properties (such as structural, functional, and spatial information, amino acid conservation, physicochemical variation, residue mobility, and thermodynamic stability) performed at Invitae indicates that this missense variant is not expected to disrupt DRP2 protein function.